The following is an entry in ClinVar:

ClinVar aggregate classification (germline): Uncertain significance (1 of 4 stars; one submission).

Conditions:
Gastrointestinal stromal tumor. Also called: Gastrointestinal stromal tumor, somatic; Gastrointestinal stroma tumor. Identifiers: Orphanet 44890, MedGen C0238198, MeSH D046152, MONDO:0011719, OMIM 606764, HP:0100723.

Submission:

Labcorp Genetics (formerly Invitae), Labcorp
Classification: Uncertain significance for Gastrointestinal stromal tumor. Last evaluated: 2019-09-23. Review status: criteria provided, single submitter. Criteria: Invitae Variant Classification Sherloc (09022015). Collection method: clinical testing. Allele origin: germline.
Comment: In summary, the available evidence is currently insufficient to determine the role of this variant in disease. Therefore, it has been classified as a Variant of Uncertain Significance. Algorithms developed to predict the effect of missense changes on protein structure and function output the following: SIFT: "Tolerated"; PolyPhen-2: "Benign"; Align-GVGD: "Class C0". The valine amino acid residue is found in multiple mammalian species, suggesting that this missense change does not adversely affect protein function. These predictions have not been confirmed by published functional studies and their clinical significance is uncertain. This variant has not been reported in the literature in individuals with KIT-related conditions. This variant is not present in population databases (ExAC no frequency). This sequence change replaces leucine with valine at codon 196 of the KIT protein (p.Leu196Val). The leucine residue is moderately conserved and there is a small physicochemical difference between leucine and valine.

NM_000222.3(KIT):c.586C>G (p.Leu196Val)

Gene: KIT (KIT proto-oncogene, receptor tyrosine kinase; plus strand). Cytogenetic location: 4q12.
Variant type: single nucleotide variant.
Coding change: c.586C>G on transcript NM_000222.3 (MANE Select); coding-DNA position 586, C replaced by G.
Protein change: p.Leu196Val; replaces leucine 196 with valine.
Molecular consequence: missense variant.
Genome position (GRCh38, 1-based): chr4:54,698,532, C>G. VCF-style: chr4-54698532-C-G. GRCh37 (hg19) VCF-style: chr4-55564698-C-G.
Other names: c.586C>G, p.Leu196Val (NM_001093772.2, NM_001385284.1, NM_001385285.1 and 4 more transcripts); short protein forms L196V.
Identifiers: ClinVar variation 963846 (VCV000963846.10), dbSNP rs768971014, ClinGen allele CA356898055.